The following is an entry in ClinVar:

NM_033395.2(CEP295):c.535G>A (p.Glu179Lys)

Gene: CEP295 (centrosomal protein 295; plus strand). Cytogenetic location: 11q21.
Variant type: single nucleotide variant.
Coding change: c.535G>A on transcript NM_033395.2 (MANE Select); coding-DNA position 535, G replaced by A.
Protein change: p.Glu179Lys; replaces glutamic acid 179 with lysine.
Molecular consequence: missense variant.
Genome position (GRCh38, 1-based): chr11:93,675,577, G>A. VCF-style: chr11-93675577-G-A. GRCh37 (hg19) VCF-style: chr11-93408743-G-A.
Other names: short protein forms E179K.
Identifiers: ClinVar variation 777857 (VCV000777857.17), dbSNP rs62622500, ClinGen allele CA6230378.

ClinVar aggregate classification (germline): Benign. Review status: criteria provided, multiple submitters, no conflicts (2 of 4 stars). 3 submissions from 3 submitters: Benign (3). Last evaluated 2026-04-01.

Allele frequency attached by ClinVar (database versions not stated): 1000 Genomes Project 0.00300; 1000 Genomes Project 30x 0.00312; gnomAD 0.00916 and 0.00960; ExAC 0.00990; TOPMed 0.00995; gnomAD exomes 0.01065; ESP Exome Variant Server 0.01315.
gnomAD v4.1: 18,450 of 1,470,798 alleles (1.3%); highest among the groups gnomAD compares: Non-Finnish European, 1.4%; 175 homozygotes.

Submissions (3):

CeGaT Center for Human Genetics Tuebingen
Classification: Benign. Last evaluated: 2026-04-01. Review status: criteria provided, single submitter. Criteria: CeGaT Center For Human Genetics Tuebingen Variant Classification Criteria Version 2. Collection method: clinical testing. Allele origin: germline. Affected: yes. Observed: 7 variant alleles.
Comment: CEP295: BP4, BS1, BS2

Labcorp Genetics (formerly Invitae), Labcorp
Classification: Benign. Last evaluated: 2018-01-11. Review status: criteria provided, single submitter. Criteria: Invitae Variant Classification Sherloc (09022015). Collection method: clinical testing. Allele origin: germline.

Breakthrough Genomics
Classification: Benign. Review status: criteria provided, single submitter. Criteria: ACMG Guidelines, 2015. Collection method: not provided. Allele origin: germline. Inheritance: Unknown mechanism. Affected: yes.